The following is an entry in ClinVar:

NM_003036.4(SKI):c.1000C>T (p.Pro334Ser)

Gene: SKI (SKI proto-oncogene; plus strand). Cytogenetic location: 1p36.32.
Variant type: single nucleotide variant.
Coding change: c.1000C>T on transcript NM_003036.4 (MANE Select); coding-DNA position 1000, C replaced by T.
Protein change: p.Pro334Ser; replaces proline 334 with serine.
Molecular consequence: missense variant.
Genome position (GRCh38, 1-based): chr1:2,303,008, C>T. VCF-style: chr1-2303008-C-T. GRCh37 (hg19) VCF-style: chr1-2234447-C-T.
Other names: p.P334S:CCC>TCC; short protein forms P334S.
Identifiers: ClinVar variation 213688 (VCV000213688.16), dbSNP rs775433131, ClinGen allele CA323491.
Genomic context (GRCh38, chr1:2,303,008, plus strand): 5'-GGTGCCAACAAAACCTTTCATTGATCGCAGGTCTCCTCTGAGCCTCCGGCCTCCATAAGA[C>T]CCAAAACAGATGACACCTCTTCCCAGTCCCCCGCGCCTTCCGAAAAGGACAAGCCGTCCA-3'
Protein context (NP_003027.1, residues 324-344): VSSEPPASIR[Pro334Ser]KTDDTSSQSP

ClinVar aggregate classification (germline): Uncertain significance. Review status: criteria provided, multiple submitters, no conflicts (2 of 4 stars). 4 submissions from 4 submitters: Uncertain significance (4). Last evaluated 2025-09-08.

Conditions:
SKI-related disorder. Also called: SKI-related condition.
Familial thoracic aortic aneurysm and aortic dissection (TAAD). Also called: Thoracic aortic aneurysms and dissections. Identifiers: Orphanet 91387, MedGen C4707243, MONDO:0019625.
Shprintzen-Goldberg syndrome (SGS). Also called: Marfanoid disorder with craniosynostosis type 1; Marfanoid craniosynostosis syndrome; Shprintzen-Goldberg marfanoid syndrome; SHPRINTZEN-GOLDBERG CRANIOSYNOSTOSIS SYNDROME; CRANIOSYNOSTOSIS WITH ARACHNODACTYLY AND ABDOMINAL HERNIAS. Identifiers: Orphanet 2462, MedGen C1321551, MONDO:0008426, OMIM 182212.

Allele frequency attached by ClinVar (database versions not stated): gnomAD exomes 0.00002 and 0.00003; gnomAD 0.00003; ExAC 0.00002; TOPMed 0.00003.

Submissions (4):

Labcorp Genetics (formerly Invitae), Labcorp
Classification: Uncertain significance for Shprintzen-Goldberg syndrome. Last evaluated: 2025-09-08. Review status: criteria provided, single submitter. Criteria: Invitae Variant Classification Sherloc (09022015). Collection method: clinical testing. Allele origin: germline.
Comment: This sequence change replaces proline, which is neutral and non-polar, with serine, which is neutral and polar, at codon 334 of the SKI protein (p.Pro334Ser). This variant is present in population databases (rs775433131, gnomAD 0.006%). This variant has not been reported in the literature in individuals affected with SKI-related conditions. ClinVar contains an entry for this variant (Variation ID: 213688). Invitae Evidence Modeling of protein sequence and biophysical properties (such as structural, functional, and spatial information, amino acid conservation, physicochemical variation, residue mobility, and thermodynamic stability) indicates that this missense variant is not expected to disrupt SKI protein function with a negative predictive value of 95%. In summary, the available evidence is currently insufficient to determine the role of this variant in disease. Therefore, it has been classified as a Variant of Uncertain Significance.

PreventionGenetics, part of Exact Sciences
Classification: Uncertain significance for SKI-related condition. Last evaluated: 2025-04-24. Review status: criteria provided, single submitter. Criteria: ACMG Guidelines, 2015. Collection method: clinical testing. Allele origin: germline.
Comment: The SKI c.1000C>T variant is predicted to result in the amino acid substitution p.Pro334Ser. To our knowledge, this variant has not been reported in the literature. This variant is reported in 0.0054% of alleles in individuals of European (Non-Finnish) descent in gnomAD. At this time, the clinical significance of this variant is uncertain due to the absence of conclusive functional and genetic evidence.

GeneDx
Classification: Uncertain significance. Last evaluated: 2024-07-29. Review status: criteria provided, single submitter. Criteria: GeneDx Variant Classification Process June 2021. Collection method: clinical testing. Allele origin: germline. Affected: yes.
Comment: Has not been previously published as pathogenic or benign to our knowledge; In silico analysis indicates that this missense variant does not alter protein structure/function

Ambry Genetics
Classification: Uncertain significance for Familial thoracic aortic aneurysm and aortic dissection. Last evaluated: 2023-03-05. Review status: criteria provided, single submitter. Criteria: Ambry Variant Classification Scheme 2023. Collection method: clinical testing. Allele origin: germline.
Comment: The p.P334S variant (also known as c.1000C>T), located in coding exon 2 of the SKI gene, results from a C to T substitution at nucleotide position 1000. The proline at codon 334 is replaced by serine, an amino acid with similar properties. This amino acid position is well conserved in available vertebrate species; however, serine is the reference amino acid in other vertebrate species. In addition, this alteration is predicted to be tolerated by in silico analysis. Since supporting evidence is limited at this time, the clinical significance of this alteration remains unclear.